The following is an entry in ClinVar:

ClinVar aggregate classification (germline): Uncertain significance (1 of 4 stars; one submission).

Conditions:
PLXNA4-related disorder. Also called: PLXNA4-related condition.

Allele frequency attached by ClinVar (database versions not stated): TOPMed below 0.00001.

Submission:

PreventionGenetics, part of Exact Sciences
Classification: Uncertain significance for PLXNA4-related condition. Last evaluated: 2026-01-14. Review status: criteria provided, single submitter. Criteria: ACMG Guidelines, 2015. Collection method: clinical testing. Allele origin: germline.
Comment: The PLXNA4 c.3966G>T variant is predicted to result in the amino acid substitution p.Met1322Ile. To our knowledge, this variant has not been reported in the literature or in a large population database (gnomAD), indicating this variant is rare. At this time, the clinical significance of this variant is uncertain due to the absence of conclusive functional and genetic evidence.

NM_020911.2(PLXNA4):c.3966G>T (p.Met1322Ile)

Gene: PLXNA4 (plexin A4; minus strand). Cytogenetic location: 7q32.3.
Variant type: single nucleotide variant.
Coding change: c.3966G>T on transcript NM_020911.2 (MANE Select); coding-DNA position 3966, G replaced by T.
Protein change: p.Met1322Ile; replaces methionine 1322 with isoleucine.
Molecular consequence: missense variant.
Genome position (GRCh38, 1-based): chr7:132,174,829, C>A on the plus strand (G>T on the coding strand, the complement: PLXNA4 is on the minus strand). VCF-style: chr7-132174829-C-A. GRCh37 (hg19) VCF-style: chr7-131859588-C-A.
Other names: c.3966G>T, p.Met1322Ile (NM_001393897.1); short protein forms M1322I.
Identifiers: ClinVar variation 2635311 (VCV002635311.2), dbSNP rs1796405363, ClinGen allele CA369318323.